The following is an entry in ClinVar:

NM_000257.4(MYH7):c.4191G>A (p.Leu1397=)

Gene: MYH7 (myosin heavy chain 7; minus strand). Cytogenetic location: 14q11.2.
Variant type: single nucleotide variant.
Coding change: c.4191G>A on transcript NM_000257.4 (MANE Select); coding-DNA position 4191, G replaced by A.
Protein change: p.Leu1397=; no amino-acid change (leucine 1397 retained).
Molecular consequence: synonymous variant.
Genome position (GRCh38, 1-based): chr14:23,417,665, C>T on the plus strand (G>A on the coding strand, the complement: MYH7 is on the minus strand). VCF-style: chr14-23417665-C-T. GRCh37 (hg19) VCF-style: chr14-23886874-C-T.
Identifiers: ClinVar variation 681561 (VCV000681561.3), dbSNP rs1595075455, ClinGen allele CA485617933.

ClinVar aggregate classification (germline): Likely benign. Review status: criteria provided, multiple submitters, no conflicts (2 of 4 stars). 3 submissions from 3 submitters: Likely benign (3). Last evaluated 2025-06-22.

Conditions:
Hypertrophic cardiomyopathy. Also called: HYPERTROPHIC MYOCARDIOPATHY. Identifiers: Orphanet 217569, MedGen C0007194, MeSH D002312, MONDO:0005045, HP:0001639.
Cardiovascular phenotype. Identifiers: MedGen CN230736.

Allele frequency attached by ClinVar (database versions not stated): TOPMed below 0.00001.

Submissions (3):

Labcorp Genetics (formerly Invitae), Labcorp
Classification: Likely benign for Hypertrophic cardiomyopathy. Last evaluated: 2025-06-22. Review status: criteria provided, single submitter. Criteria: Invitae Variant Classification Sherloc (09022015). Collection method: clinical testing. Allele origin: germline.

Ambry Genetics
Classification: Likely benign for Cardiovascular phenotype. Last evaluated: 2024-11-18. Review status: criteria provided, single submitter. Criteria: Ambry Variant Classification Scheme 2023. Collection method: clinical testing. Allele origin: germline.

GeneDx
Classification: Likely benign. Last evaluated: 2018-04-26. Review status: criteria provided, single submitter. Criteria: GeneDx Variant Classification (06012015). Collection method: clinical testing. Allele origin: germline. Affected: yes.
Comment: This variant is considered likely benign or benign based on one or more of the following criteria: it is a conservative change, it occurs at a poorly conserved position in the protein, it is predicted to be benign by multiple in silico algorithms, and/or has population frequency not consistent with disease.